The following is an entry in ClinVar:

ClinVar aggregate classification (germline): Pathogenic/Likely pathogenic. Review status: criteria provided, multiple submitters, no conflicts (2 of 4 stars). 2 submissions from 2 submitters: Pathogenic (1); Likely pathogenic (1). Last evaluated 2024-08-06.

Conditions:
Intellectual developmental disorder, autosomal dominant 56. Also called: MENTAL RETARDATION, AUTOSOMAL DOMINANT 56; Intellectual disability, autosomal dominant 56. Identifiers: MedGen C4693389, MONDO:0030922, OMIM 617854.
CLTC-related disorder. Also called: CLTC-related condition.

Submissions (2):

3billion
Classification: Pathogenic for Intellectual developmental disorder, autosomal dominant 56. Last evaluated: 2024-08-06. Review status: criteria provided, single submitter. Criteria: ACMG Guidelines, 2015. Collection method: clinical testing. Allele origin: germline. Affected: yes.
Comment: The variant is not observed in the gnomAD v4.0.0 dataset. Predicted Consequence/Location: Stop-gained (nonsense): predicted to result in a loss or disruption of normal protein function through nonsense-mediated decay (NMD) or protein truncation. Multiple pathogenic variants are reported downstream of the variant. The variant has been reported to be associated with CLTC related disorder (PMID: 33041083). Therefore, this variant is classified as Pathogenic according to the recommendation of ACMG/AMP guideline.

Blueprint Genetics
Classification: Likely pathogenic for CLTC-related disorders. Last evaluated: 2022-11-04. Review status: criteria provided, single submitter. Criteria: ACMG Guidelines, 2015. Collection method: clinical testing. Allele origin: germline. Affected: yes. Observed: 1 variant allele.

Literature cited by the submitters: PubMed 33041083 (cited by 3billion).

NM_004859.4(CLTC):c.3751C>T (p.Arg1251Ter)

Gene: CLTC (clathrin heavy chain; plus strand). Cytogenetic location: 17q23.1.
Variant type: single nucleotide variant.
Coding change: c.3751C>T on transcript NM_004859.4 (MANE Select); coding-DNA position 3751, C replaced by T.
Protein change: p.Arg1251Ter; replaces arginine 1251 with a stop codon.
Molecular consequence: nonsense.
Genome position (GRCh38, 1-based): chr17:59,682,779, C>T. VCF-style: chr17-59682779-C-T. GRCh37 (hg19) VCF-style: chr17-57760140-C-T.
Other names: c.3763C>T, p.Arg1255Ter (NM_001288653.2); short protein forms R1251*, R1255*.
Identifiers: ClinVar variation 4293921 (VCV004293921.2).